The following is an entry in ClinVar:

NM_001084.5(PLOD3):c.796G>A (p.Gly266Arg)

Gene: PLOD3 (procollagen-lysine,2-oxoglutarate 5-dioxygenase 3; minus strand). Cytogenetic location: 7q22.1.
Variant type: single nucleotide variant.
Coding change: c.796G>A on transcript NM_001084.5 (MANE Select); coding-DNA position 796, G replaced by A.
Protein change: p.Gly266Arg; replaces glycine 266 with arginine.
Molecular consequence: missense variant.
Genome position (GRCh38, 1-based): chr7:101,212,925, C>T on the plus strand (G>A on the coding strand, the complement: PLOD3 is on the minus strand). VCF-style: chr7-101212925-C-T. GRCh37 (hg19) VCF-style: chr7-100856206-C-T.
Other names: short protein forms G266R.
Identifiers: ClinVar variation 1358906 (VCV001358906.6), dbSNP rs1306237288, ClinGen allele CA368620953.
Genomic context (GRCh38, chr7:101,212,925, plus strand): 5'-GGTCCTGGTTGCAGAAGCCACAGCCTCCCTCAGGAGTCCAGCCATTGGGGACGTAGTTTC[C>T]CAGGTAGTTGAGCTGCAGCTGTTGGGGACAGACTGAGGCTGAGTGGCTGAGGCCTCCAGG-3'
Protein context (NP_001075.1, residues 256-276): GPTKLQLNYL[Gly266Arg]NYVPNGWTPE

ClinVar aggregate classification (germline): Uncertain significance (1 of 4 stars; one submission).

Allele frequency attached by ClinVar (database versions not stated): gnomAD exomes below 0.00001; TOPMed 0.00003.
gnomAD v4.1: 6 of 1,613,514 alleles (0.00037%); highest among the groups gnomAD compares: Non-Finnish European, 0.00051%; no homozygotes.

Submission:

Labcorp Genetics (formerly Invitae), Labcorp
Classification: Uncertain significance. Last evaluated: 2021-06-14. Review status: criteria provided, single submitter. Criteria: Invitae Variant Classification Sherloc (09022015). Collection method: clinical testing. Allele origin: germline.
Comment: This variant is not present in population databases (ExAC no frequency). In summary, the available evidence is currently insufficient to determine the role of this variant in disease. Therefore, it has been classified as a Variant of Uncertain Significance. Algorithms developed to predict the effect of missense changes on protein structure and function (SIFT, PolyPhen-2, Align-GVGD) all suggest that this variant is likely to be disruptive, but these predictions have not been confirmed by published functional studies and their clinical significance is uncertain. This variant has not been reported in the literature in individuals with PLOD3-related conditions. This sequence change replaces glycine with arginine at codon 266 of the PLOD3 protein (p.Gly266Arg). The glycine residue is highly conserved and there is a moderate physicochemical difference between glycine and arginine.